The following is an entry in ClinVar:

ClinVar aggregate classification (germline): Uncertain significance (1 of 4 stars; one submission).

Conditions:
Pierpont syndrome (PRPTS). Identifiers: Orphanet 487825, MedGen C1865644, MONDO:0011213, OMIM 602342.

Allele frequency attached by ClinVar (database versions not stated): gnomAD exomes below 0.00001; gnomAD 0.00001.
gnomAD v4.1: 3 of 1,595,892 alleles (0.00019%); highest among the groups gnomAD compares: Non-Finnish European, 0.000085%; no homozygotes.

Submission:

Labcorp Genetics (formerly Invitae), Labcorp
Classification: Uncertain significance for Pierpont syndrome. Last evaluated: 2018-07-15. Review status: criteria provided, single submitter. Criteria: Invitae Variant Classification Sherloc (09022015). Collection method: clinical testing. Allele origin: germline.
Comment: In summary, the available evidence is currently insufficient to determine the role of this variant in disease. Therefore, it has been classified as a Variant of Uncertain Significance. This sequence change falls in intron 11 of the TBL1XR1 gene. It does not directly change the encoded amino acid sequence of the TBL1XR1 protein, but it affects a nucleotide within the consensus splice site of the intron. This variant is not present in population databases (ExAC no frequency). This variant has not been reported in the literature in individuals with TBL1XR1-related disease. Nucleotide substitutions within the consensus splice site are a relatively common cause of aberrant splicing (PMID: 17576681, 9536098). Algorithms developed to predict the effect of sequence changes on RNA splicing suggest that this variant may disrupt the consensus splice site, but this prediction has not been confirmed by published transcriptional studies.

Literature cited by the submitters: PubMed 17576681; PubMed 9536098.

NM_024665.7(TBL1XR1):c.1047+3A>G

Genes: TBL1XR1 (TBL1X/Y related 1; minus strand), TBL1XR1-AS1 (TBL1XR1 antisense RNA 1; plus strand), LOC126806878 (CDK7 strongly-dependent group 2 enhancer GRCh37_chr3:176755168-176756367; plus strand). Cytogenetic location: 3q26.32.
Variant type: single nucleotide variant.
Coding change: c.1047+3A>G on transcript NM_024665.7 (MANE Select); 3 bases into the intron after coding-DNA position 1047, A replaced by G.
Molecular consequence: intron variant.
Genome position (GRCh38, 1-based): chr3:177,038,310, T>C on the plus strand (A>G on the coding strand, the complement: TBL1XR1 is on the minus strand). VCF-style: chr3-177038310-T-C. GRCh37 (hg19) VCF-style: chr3-176756098-T-C.
Other names: c.1047+3A>G (NM_001374327.1, NM_001321194.3, NM_001321193.3 and 2 more transcripts); c.786+3A>G (NM_001374330.1, NM_001321195.3).
Identifiers: ClinVar variation 649049 (VCV000649049.7), dbSNP rs1320754324, ClinGen allele CA548260163.
Genomic context (GRCh38, chr3:177,038,310, plus strand): 5'-AAACTATTCTGAAACATTACTTGTTAATCATGACCACTTTAATGTGGAAAAAAGGTTTCT[T>C]ACCGTATGTCCTTGGAATGTTTTAATAGGTCTGTCTTGTCCTAATTTACAGACATGAATG-3'